The following is an entry in ClinVar:

NM_001111067.4(ACVR1):c.1318A>G (p.Ser440Gly)

Gene: ACVR1 (activin A receptor type 1; minus strand). Cytogenetic location: 2q24.1.
Variant type: single nucleotide variant.
Coding change: c.1318A>G on transcript NM_001111067.4 (MANE Select); coding-DNA position 1318, A replaced by G.
Protein change: p.Ser440Gly; replaces serine 440 with glycine.
Molecular consequence: missense variant.
Genome position (GRCh38, 1-based): chr2:157,738,517, T>C on the plus strand (A>G on the coding strand, the complement: ACVR1 is on the minus strand). VCF-style: chr2-157738517-T-C. GRCh37 (hg19) VCF-style: chr2-158595029-T-C.
Other names: c.1318A>G, p.Ser440Gly (NM_001105.5, NM_001347663.1, NM_001347664.1 and 3 more transcripts); short protein forms S440G.
Identifiers: ClinVar variation 1494946 (VCV001494946.8), dbSNP rs745343863, ClinGen allele CA1918973.

ClinVar aggregate classification (germline): Uncertain significance (1 of 4 stars; one submission).

Allele frequency attached by ClinVar (database versions not stated): gnomAD exomes 0.00002 and 0.00003; ExAC 0.00003; gnomAD 0.00005; TOPMed 0.00005.
gnomAD v4.1: 34 of 1,614,030 alleles (0.0021%); highest among the groups gnomAD compares: Non-Finnish European, 0.0028%; no homozygotes.

Submission:

Labcorp Genetics (formerly Invitae), Labcorp
Classification: Uncertain significance. Last evaluated: 2026-01-21. Review status: criteria provided, single submitter. Criteria: Invitae Variant Classification Sherloc (09022015). Collection method: clinical testing. Allele origin: germline.
Comment: This sequence change replaces serine, which is neutral and polar, with glycine, which is neutral and non-polar, at codon 440 of the ACVR1 protein (p.Ser440Gly). This variant is present in population databases (rs745343863, gnomAD 0.006%). This variant has not been reported in the literature in individuals affected with ACVR1-related conditions. ClinVar contains an entry for this variant (Variation ID: 1494946). An algorithm developed to predict the effect of missense changes on protein structure and function (PolyPhen-2) suggests that this variant is likely to be disruptive. In summary, the available evidence is currently insufficient to determine the role of this variant in disease. Therefore, it has been classified as a Variant of Uncertain Significance.